The following is an entry in ClinVar:

ClinVar aggregate classification (germline): Uncertain significance (1 of 4 stars; one submission).

Conditions:
TTC21B-related disorder. Also called: TTC21B-related condition; TTC21B-related disorders.

Submission:

PreventionGenetics, part of Exact Sciences
Classification: Uncertain significance for TTC21B-related condition. Last evaluated: 2026-08-07. Review status: criteria provided, single submitter. Criteria: ACMG Guidelines, 2015. Collection method: clinical testing. Allele origin: germline.
Comment: The TTC21B c.2T>A variant is predicted to disrupt the translation initiation site (Start loss). To our knowledge, this variant has not been reported in the literature or in a large population database (gnomAD), indicating this variant is rare. An alternate nucleotide change (c.1A>G) leading to the loss of the initiation codon has been reported along with another variant in TTC21B in an individual with nephronophthisis (Table S2, Feng et al. 2024. PubMed ID: 39363361). At this time, the clinical significance of this variant is uncertain due to the absence of conclusive functional and genetic evidence.

NM_024753.5(TTC21B):c.2T>A (p.Met1Lys)

Gene: TTC21B (tetratricopeptide repeat domain 21B; minus strand). Cytogenetic location: 2q24.3.
Variant type: single nucleotide variant.
Coding change: c.2T>A on transcript NM_024753.5 (MANE Select); coding-DNA position 2, T replaced by A.
Protein change: p.Met1Lys; changes the start codon (methionine 1).
Molecular consequence: missense variant, initiator codon variant.
Genome position (GRCh38, 1-based): chr2:165,953,704, A>T on the plus strand (T>A on the coding strand, the complement: TTC21B is on the minus strand). VCF-style: chr2-165953704-A-T. GRCh37 (hg19) VCF-style: chr2-166810214-A-T.
Other names: short protein forms M1K.
Identifiers: ClinVar variation 4992768 (VCV004992768.1).